The following is an entry in ClinVar:

NM_000053.4(ATP7B):c.3457T>G (p.Trp1153Gly)

Gene: ATP7B (ATPase copper transporting beta; minus strand). Cytogenetic location: 13q14.3.
Variant type: single nucleotide variant.
Coding change: c.3457T>G on transcript NM_000053.4 (MANE Select); coding-DNA position 3457, T replaced by G.
Protein change: p.Trp1153Gly; replaces tryptophan 1153 with glycine.
Molecular consequence: missense variant. On other transcripts: intron variant (2).
Genome position (GRCh38, 1-based): chr13:51,941,180, A>C on the plus strand (T>G on the coding strand, the complement: ATP7B is on the minus strand). VCF-style: chr13-51941180-A-C. GRCh37 (hg19) VCF-style: chr13-52515316-A-C.
Other names: c.3205T>G, p.Trp1069Gly (NM_001406531.1, NM_001406532.1, NM_001330579.2); c.3169T>G, p.Trp1057Gly (NM_001406534.1); c.3127T>G, p.Trp1043Gly (NM_001406535.1, NM_001406536.1); c.3118T>G, p.Trp1040Gly (NM_001406537.1); c.3028T>G, p.Trp1010Gly (NM_001406539.1); c.3010T>G, p.Trp1004Gly (NM_001406540.1); c.2971T>G, p.Trp991Gly (NM_001406541.1, NM_001406542.1); c.2875T>G, p.Trp959Gly (NM_001406544.1); and 20 more; short protein forms W1004G, W1010G, W1040G, W1042G, W1043G, W1057G, W1069G, W1073G.
Identifiers: ClinVar variation 3075591 (VCV003075591.1), dbSNP rs2547601020, ClinGen allele CA388026586.

ClinVar aggregate classification (germline): Uncertain significance (1 of 4 stars; one submission).

Conditions:
Wilson disease (WND). Also called: Wilson's disease. Identifiers: Orphanet 905, MedGen C0019202, MONDO:0010200, OMIM 277900. Disease mechanism: loss of function.

Allele frequency attached by ClinVar (database versions not stated): gnomAD exomes below 0.00001.
gnomAD v4.1: 1 of 1,614,142 alleles (0.000062%); highest among the groups gnomAD compares: Non-Finnish European, 0.000085%; no homozygotes.

Submission:

All of Us Research Program, National Institutes of Health
Classification: Uncertain significance for Wilson disease. Last evaluated: 2023-04-10. Review status: criteria provided, single submitter. Criteria: ACMG Guidelines, 2015. Collection method: clinical testing. Allele origin: germline. Inheritance: Autosomal recessive inheritance. Observed: 1 variant allele, 1 heterozygote.
Comment: This missense variant replaces tryptophan with glycine at codon 1153 of the ATP7B protein. Computational prediction suggests that this variant may have deleterious impact on protein structure and function (internally defined REVEL score threshold >= 0.7, PMID: 27666373). To our knowledge, functional studies have not been reported for this variant. This variant has not been reported in individuals affected with Wilson disease in the literature. This variant has not been identified in the general population by the Genome Aggregation Database (gnomAD). The available evidence is insufficient to determine the role of this variant in disease conclusively. Therefore, this variant is classified as a Variant of Uncertain Significance.

This study involves interpretation of variants in research participants for the purpose of population health screening. Participant phenotype was not available at the time of variant classification. Additional details can be found in publication PMID: 35346344, PMCID: PMC8962531